The following is an entry in ClinVar:

NM_017882.3(CLN6):c.11C>T (p.Thr4Met)

Gene: CLN6 (CLN6 transmembrane ER protein; minus strand). Cytogenetic location: 15q23.
Variant type: single nucleotide variant.
Coding change: c.11C>T on transcript NM_017882.3 (MANE Select); coding-DNA position 11, C replaced by T.
Protein change: p.Thr4Met; replaces threonine 4 with methionine.
Molecular consequence: missense variant.
Genome position (GRCh38, 1-based): chr15:68,229,574, G>A on the plus strand (C>T on the coding strand, the complement: CLN6 is on the minus strand). VCF-style: chr15-68229574-G-A. GRCh37 (hg19) VCF-style: chr15-68521912-G-A.
Other names: short protein forms T4M.
Identifiers: ClinVar variation 420988 (VCV000420988.8), dbSNP rs1017662486, ClinGen allele CA16620002.

ClinVar aggregate classification (germline): Uncertain significance. Review status: criteria provided, multiple submitters, no conflicts (2 of 4 stars). 3 submissions from 3 submitters: Uncertain significance (3). Last evaluated 2025-12-15.

Conditions:
Inborn genetic diseases. Identifiers: MedGen C0950123, MeSH D030342.
Neuronal ceroid lipofuscinosis. Also called: Neuronal Ceroid Lipofuscinoses. Identifiers: Orphanet 216, Orphanet 79263, MedGen C0027877, MONDO:0016295. Disease mechanism: loss of function.

Allele frequency attached by ClinVar (database versions not stated): TOPMed 0.00002; gnomAD exomes 0.00004; gnomAD 0.00006.

Submissions (3):

Ambry Genetics
Classification: Uncertain significance for Inborn genetic diseases. Last evaluated: 2025-12-15. Review status: criteria provided, single submitter. Criteria: Ambry Variant Classification Scheme 2023. Collection method: clinical testing. Allele origin: germline.

Labcorp Genetics (formerly Invitae), Labcorp
Classification: Uncertain significance for Neuronal ceroid lipofuscinosis. Last evaluated: 2023-11-27. Review status: criteria provided, single submitter. Criteria: Invitae Variant Classification Sherloc (09022015). Collection method: clinical testing. Allele origin: germline.
Comment: This sequence change replaces threonine, which is neutral and polar, with methionine, which is neutral and non-polar, at codon 4 of the CLN6 protein (p.Thr4Met). The frequency data for this variant in the population databases is considered unreliable, as metrics indicate poor data quality at this position in the gnomAD database. This variant has not been reported in the literature in individuals affected with CLN6-related conditions. ClinVar contains an entry for this variant (Variation ID: 420988). Advanced modeling of protein sequence and biophysical properties (such as structural, functional, and spatial information, amino acid conservation, physicochemical variation, residue mobility, and thermodynamic stability) performed at Invitae indicates that this missense variant is not expected to disrupt CLN6 protein function with a negative predictive value of 80%. In summary, the available evidence is currently insufficient to determine the role of this variant in disease. Therefore, it has been classified as a Variant of Uncertain Significance.

GeneDx
Classification: Uncertain significance. Last evaluated: 2018-04-13. Review status: criteria provided, single submitter. Criteria: GeneDx Variant Classification (06012015). Collection method: clinical testing. Allele origin: germline. Affected: yes.
Comment: A variant of uncertain significance has been identified in the CLN6 gene. The T4M variant has not been published as a pathogenic variant, nor has it been reported as a benign variant to our knowledge. It was not observed in approximately 2,100 individuals of European and African American ancestry in the NHLBI Exome Sequencing Project, indicating it is not a common benign variant in these populations. The T4M variant is a non-conservative amino acid substitution, which is likely to impact secondary protein structure as these residues differ in polarity, charge, size, and/or other properties. Additionally, missense variants in nearby residues (R5W, R6T) have been reported in the Human Gene Mutation Database in association with neuronal ceroid lipofuscinosis (Stenson et al., 2014). However, this substitution occurs at a position that is not conserved. In silico analysis is inconsistent in its predictions as to whether or not the variant is damaging to the protein structure/function. Therefore, based on the currently available information, it is unclear whether this variant is a pathogenic variant or a rare benign variant.